The following is an entry in ClinVar:

ClinVar aggregate classification (germline): Pathogenic (1 of 4 stars; one submission).

Conditions:
Deficiency of alpha-mannosidase (MANSA). Also called: LYSOSOMAL ALPHA-D-MANNOSIDASE DEFICIENCY; Mannosidosis, alpha-, types I and II; Alpha-Mannosidosis. Identifiers: Orphanet 61, MedGen C0024748, MONDO:0009561, OMIM 248500.

gnomAD v4.1: 1 of 1,614,148 alleles (0.000062%); highest among the groups gnomAD compares: Non-Finnish European, 0.000085%; no homozygotes.

Submission:

Women's Health and Genetics/Laboratory Corporation of America, LabCorp
Classification: Pathogenic for Deficiency of alpha-mannosidase. Last evaluated: 2026-02-12. Review status: criteria provided, single submitter. Criteria: LabCorp Variant Classification Summary - May 2015. Collection method: clinical testing. Allele origin: germline.
Comment: Variant summary: MAN2B1 c.2746C>A (p.Arg916Ser) results in a non-conservative amino acid change in the encoded protein sequence. Algorithms developed to predict the effect of missense changes on protein structure and function all suggest that this variant is likely to be disruptive. The variant was absent in 250646 control chromosomes. c.2746C>A has been observed in an individual affected with the late onset form of Alpha-Mannosidosis (Pittis_2007). A different variant affecting the same codon (c.2747G>A, p.Arg916His) has been classified as likely pathogenic/pathogenic by our lab, supporting the critical relevance of codon 916 to MAN2B1 protein function. At least one publication reports experimental evidence evaluating an impact on protein function (Pittis_2007). The most pronounced variant effect results in only residual enzymatic activity. The following publication have been ascertained in the context of this evaluation (PMID: 16919251). No submitters have cited clinical-significance assessments for this variant to ClinVar. Based on the evidence outlined above, the variant was classified as pathogenic.

Literature cited by the submitters: PubMed 16919251.

NM_000528.4(MAN2B1):c.2746C>A (p.Arg916Ser)

Genes: MAN2B1 (mannosidase alpha class 2B member 1; minus strand), LOC130063648 (ATAC-STARR-seq lymphoblastoid active region 14063; plus strand). Cytogenetic location: 19p13.13.
Variant type: single nucleotide variant.
Coding change: c.2746C>A on transcript NM_000528.4 (MANE Select); coding-DNA position 2746, C replaced by A.
Protein change: p.Arg916Ser; replaces arginine 916 with serine.
Molecular consequence: missense variant.
Genome position (GRCh38, 1-based): chr19:12,647,517, G>T on the plus strand (C>A on the coding strand, the complement: MAN2B1 is on the minus strand). VCF-style: chr19-12647517-G-T. GRCh37 (hg19) VCF-style: chr19-12758331-G-T.
Other names: c.2743C>A, p.Arg915Ser (NM_001173498.2); c.2749C>A, p.Arg917Ser (NM_001440570.1); short protein forms R915S, R916S, R917S.
Identifiers: ClinVar variation 4847880 (VCV004847880.1).